The following is an entry in ClinVar:

NM_001365088.1(SLC12A6):c.1465G>A (p.Val489Met)

Gene: SLC12A6 (solute carrier family 12 member 6; minus strand). Cytogenetic location: 15q14.
Variant type: single nucleotide variant.
Coding change: c.1465G>A on transcript NM_001365088.1 (MANE Select); coding-DNA position 1465, G replaced by A.
Protein change: p.Val489Met; replaces valine 489 with methionine.
Molecular consequence: missense variant.
Genome position (GRCh38, 1-based): chr15:34,250,926, C>T on the plus strand (G>A on the coding strand, the complement: SLC12A6 is on the minus strand). VCF-style: chr15-34250926-C-T. GRCh37 (hg19) VCF-style: chr15-34543127-C-T.
Other names: c.1288G>A, p.Val430Met (NM_001042494.2, NM_001042495.2); c.1438G>A, p.Val480Met (NM_001042496.2); c.1420G>A, p.Val474Met (NM_001042497.2); c.1312G>A, p.Val438Met (NM_005135.2); c.1465G>A, p.Val489Met (NM_133647.2); short protein forms V430M, V480M, V489M, V438M, V474M.
Identifiers: ClinVar variation 2914010 (VCV002914010.3), dbSNP rs1892343511, ClinGen allele CA391606144.

ClinVar aggregate classification (germline): Uncertain significance (1 of 4 stars; one submission).

Allele frequency attached by ClinVar (database versions not stated): gnomAD exomes below 0.00001; gnomAD 0.00001.
gnomAD v4.1: 2 of 1,612,416 alleles (0.00012%); highest among the groups gnomAD compares: Middle Eastern, 0.016%; no homozygotes.

Submission:

Labcorp Genetics (formerly Invitae), Labcorp
Classification: Uncertain significance. Last evaluated: 2022-10-29. Review status: criteria provided, single submitter. Criteria: Invitae Variant Classification Sherloc (09022015). Collection method: clinical testing. Allele origin: germline.
Comment: In summary, the available evidence is currently insufficient to determine the role of this variant in disease. Therefore, it has been classified as a Variant of Uncertain Significance. Advanced modeling of protein sequence and biophysical properties (such as structural, functional, and spatial information, amino acid conservation, physicochemical variation, residue mobility, and thermodynamic stability) performed at Invitae indicates that this missense variant is not expected to disrupt SLC12A6 protein function. This variant has not been reported in the literature in individuals affected with SLC12A6-related conditions. This variant is not present in population databases (gnomAD no frequency). This sequence change replaces valine, which is neutral and non-polar, with methionine, which is neutral and non-polar, at codon 489 of the SLC12A6 protein (p.Val489Met).